The following is an entry in ClinVar:

NM_001080467.3(MYO5B):c.-7C>T

Gene: MYO5B (myosin VB; minus strand). Cytogenetic location: 18q21.1.
Variant type: single nucleotide variant.
Coding change: c.-7C>T on transcript NM_001080467.3 (MANE Select); 7 bases upstream of the start codon, C replaced by T.
Molecular consequence: 5 prime UTR variant.
Genome position (GRCh38, 1-based): chr18:50,194,800, G>A on the plus strand (C>T on the coding strand, the complement: MYO5B is on the minus strand). VCF-style: chr18-50194800-G-A. GRCh37 (hg19) VCF-style: chr18-47721170-G-A.
Identifiers: ClinVar variation 3040089 (VCV003040089.2), dbSNP rs1201048192, ClinGen allele CA780139436.

ClinVar aggregate classification (germline): Likely benign (0 of 4 stars; one submission).

Conditions:
MYO5B-related disorder. Also called: MYO5B-related condition.

Allele frequency attached by ClinVar (database versions not stated): TOPMed below 0.00001.

Submission:

PreventionGenetics, part of Exact Sciences
Classification: Likely benign for MYO5B-related condition. Last evaluated: 2021-03-29. Review status: no assertion criteria provided. Collection method: clinical testing. Allele origin: germline.
Comment: This variant is classified as likely benign based on ACMG/AMP sequence variant interpretation guidelines (Richards et al. 2015 PMID: 25741868, with internal and published modifications).